The following is an entry in ClinVar:

NC_000017.10:g.(?_3539712)_(3563663_?)del

Gene: CTNS (cystinosin, lysosomal cystine transporter; plus strand). Cytogenetic location: 17p13.2.
Variant type: Deletion.
Identifiers: ClinVar variation 3243028 (VCV003243028.1).

ClinVar aggregate classification (germline): Pathogenic (1 of 4 stars; one submission).

Conditions:
Ocular cystinosis. Also called: Non-Nephropathic Cystinosis; Non-Nephropathic (Ocular) Cystinosis. Identifiers: Orphanet 213, Orphanet 411641, MedGen C2931013, MONDO:0009064, OMIM 219750.
Juvenile nephropathic cystinosis. Also called: Intermediate Cystinosis; CYSTINOSIS, LATE-ONSET JUVENILE OR ADOLESCENT NEPHROPATHIC TYPE; Later-Onset (Juvenile) Cystinosis. Identifiers: Orphanet 213, Orphanet 411634, MedGen C0268626, MONDO:0009066, OMIM 219900.
Inborn genetic diseases. Identifiers: MedGen C0950123, MeSH D030342.

Submission:

Labcorp Genetics (formerly Invitae), Labcorp
Classification: Pathogenic for Inborn genetic diseases; Ocular cystinosis; Juvenile nephropathic cystinosis. Last evaluated: 2023-10-31. Review status: criteria provided, single submitter. Criteria: Invitae Variant Classification Sherloc (09022015). Collection method: clinical testing. Allele origin: unknown.
Comment: A gross deletion of the genomic region encompassing the full coding sequence of the CTNS gene has been identified. Loss-of-function variants in CTNS are known to be pathogenic (PMID: 9537412, 27102039). The boundaries of this event are unknown as they extend beyond the assayed region for this gene and therefore may encompass additional genes. This variant has not been reported in the literature in individuals affected with CTNS-related conditions. For these reasons, this variant has been classified as Pathogenic.

Literature cited by the submitters: PubMed 9537412; PubMed 27102039.